The following is an entry in ClinVar:

NM_007294.4(BRCA1):c.608A>G (p.Glu203Gly)

Gene: BRCA1 (BRCA1 DNA repair associated; minus strand). Cytogenetic location: 17q21.31.
Variant type: single nucleotide variant.
Coding change: c.608A>G on transcript NM_007294.4 (MANE Select); coding-DNA position 608, A replaced by G.
Protein change: p.Glu203Gly; replaces glutamic acid 203 with glycine.
Molecular consequence: missense variant. On other transcripts: non-coding transcript variant (1).
Genome position (GRCh38, 1-based): chr17:43,095,908, T>C on the plus strand (A>G on the coding strand, the complement: BRCA1 is on the minus strand). VCF-style: chr17-43095908-T-C. GRCh37 (hg19) VCF-style: chr17-41247925-T-C.
Other names: c.395A>G, p.Glu132Gly (NM_001407571.1, NM_001407853.1, NM_001407894.1 and 12 more transcripts); c.608A>G, p.Glu203Gly (NM_001407581.1, NM_001407582.1, NM_001407583.1 and 59 more transcripts); c.605A>G, p.Glu202Gly (NM_001407587.1, NM_001407590.1, NM_001407591.1 and 41 more transcripts); c.599A>G, p.Glu200Gly (NM_001407646.1, NM_001407647.1, NM_001408408.1); c.530A>G, p.Glu177Gly (NM_001407653.1, NM_001407654.1, NM_001407655.1 and 9 more transcripts); c.527A>G, p.Glu176Gly (NM_001407659.1, NM_001407660.1, NM_001407661.1 and 3 more transcripts); c.467A>G, p.Glu156Gly (NM_001407692.1, NM_001407694.1, NM_001407695.1 and 43 more transcripts); c.464A>G, p.Glu155Gly (NM_001407740.1, NM_001407741.1, NM_001407742.1 and 26 more transcripts); and 4 more; short protein forms E156G, E203G, E155G, E177G, E132G, E158G, E176G, E75G.
Identifiers: ClinVar variation 1385134 (VCV001385134.9), dbSNP rs2154515011, ClinGen allele CA10600889.

ClinVar aggregate classification (germline): Uncertain significance (1 of 4 stars; one submission).

Conditions:
Hereditary breast ovarian cancer syndrome. Also called: Hereditary breast and ovarian cancer syndrome (HBOC); Breast and ovarian cancer; BRCA1- and BRCA2-Associated Hereditary Breast and Ovarian Cancer; Hereditary breast and ovarian cancer; Hereditary breast and ovarian cancer syndrome; Hereditary breast and/or ovarian cancer syndrome. Identifiers: Orphanet 145, MedGen C0677776, MeSH D061325, MONDO:0003582. Disease mechanism: loss of function.

Submission:

Labcorp Genetics (formerly Invitae), Labcorp
Classification: Uncertain significance for Hereditary breast ovarian cancer syndrome. Last evaluated: 2021-04-05. Review status: criteria provided, single submitter. Criteria: Invitae Variant Classification Sherloc (09022015). Collection method: clinical testing. Allele origin: germline.
Comment: This variant is not present in population databases (ExAC no frequency). In summary, the available evidence is currently insufficient to determine the role of this variant in disease. Therefore, it has been classified as a Variant of Uncertain Significance. Advanced modeling of protein sequence and biophysical properties (such as structural, functional, and spatial information, amino acid conservation, physicochemical variation, residue mobility, and thermodynamic stability) performed at Invitae indicates that this missense variant is not expected to disrupt BRCA1 protein function. This variant has not been reported in the literature in individuals with BRCA1-related conditions. This sequence change replaces glutamic acid with glycine at codon 203 of the BRCA1 protein (p.Glu203Gly). The glutamic acid residue is moderately conserved and there is a moderate physicochemical difference between glutamic acid and glycine.